The following is an entry in ClinVar:

NM_022356.4(P3H1):c.2164C>T (p.Gln722Ter)

Gene: P3H1 (prolyl 3-hydroxylase 1; minus strand). Cytogenetic location: 1p34.2.
Variant type: single nucleotide variant.
Coding change: c.2164C>T on transcript NM_022356.4 (MANE Select); coding-DNA position 2164, C replaced by T.
Protein change: p.Gln722Ter; replaces glutamine 722 with a stop codon.
Molecular consequence: nonsense. On other transcripts: 3 prime UTR variant (2).
Genome position (GRCh38, 1-based): chr1:42,746,744, G>A on the plus strand (C>T on the coding strand, the complement: P3H1 is on the minus strand). VCF-style: chr1-42746744-G-A. GRCh37 (hg19) VCF-style: chr1-43212415-G-A.
Other names: c.*89C>T (NM_001146289.2); c.*168C>T (NM_001243246.2); short protein forms Q722*.
Identifiers: ClinVar variation 2733873 (VCV002733873.4), dbSNP rs771006240, ClinGen allele CA339950374.
Genomic context (GRCh38, chr1:42,746,744, plus strand): 5'-GACCTGGACGCTGTCATAGCTCATCCTTGGGCTTCGATTCACTGCCTGAGAGAGACTCTT[G>A]TGCAGGTTCGGGGGGGCCCTGCTGGGCATCCAGGGGCTGCTCCTGGGAGAGGTCCATCTC-3'

ClinVar aggregate classification (germline): Pathogenic/Likely pathogenic. Review status: criteria provided, multiple submitters, no conflicts (2 of 4 stars). 2 submissions from 2 submitters: Pathogenic (1); Likely pathogenic (1). Last evaluated 2024-04-15.

Conditions:
Osteogenesis imperfecta type 8 (OI8). Identifiers: MedGen C1970458, MONDO:0012581, OMIM 610915.

gnomAD v4.1: 2 of 1,552,892 alleles (0.00013%); highest among the groups gnomAD compares: Non-Finnish European, 0.00017%; no homozygotes.

Submissions (2):

Fulgent Genetics
Classification: Likely pathogenic for Osteogenesis imperfecta type 8. Last evaluated: 2024-04-15. Review status: criteria provided, single submitter. Criteria: ACMG Guidelines, 2015. Collection method: clinical testing. Allele origin: germline.

Labcorp Genetics (formerly Invitae), Labcorp
Classification: Pathogenic for Osteogenesis imperfecta type 8. Last evaluated: 2023-05-09. Review status: criteria provided, single submitter. Criteria: Invitae Variant Classification Sherloc (09022015). Collection method: clinical testing. Allele origin: germline.
Comment: For these reasons, this variant has been classified as Pathogenic. This variant disrupts the KDEL domain (p.Lys733-p.Leu736) of the P3H1 protein that is required for the cellular retention and activity of certain types of proteins (PMID: 3545499). This premature translational stop signal has been observed in individual(s) with osteogenesis imperfecta (PMID: 27864101). In at least one individual the data is consistent with being in trans (on the opposite chromosome) from a pathogenic variant. This variant is not present in population databases (gnomAD no frequency). This sequence change creates a premature translational stop signal (p.Gln722*) in the P3H1 gene. While this is not anticipated to result in nonsense mediated decay, it is expected to disrupt the last 15 amino acid(s) of the P3H1 protein.

Literature cited by the submitters: PubMed 3545499 (cited by Labcorp Genetics (formerly Invitae), Labcorp); PubMed 27864101 (cited by Labcorp Genetics (formerly Invitae), Labcorp).